The following is an entry in ClinVar:

NM_001039958.2(MESP2):c.665C>G (p.Ser222Cys)

Gene: MESP2 (mesoderm posterior bHLH transcription factor 2; plus strand). Cytogenetic location: 15q26.1.
Variant type: single nucleotide variant.
Coding change: c.665C>G on transcript NM_001039958.2 (MANE Select); coding-DNA position 665, C replaced by G.
Protein change: p.Ser222Cys; replaces serine 222 with cysteine.
Molecular consequence: missense variant.
Genome position (GRCh38, 1-based): chr15:89,777,022, C>G. VCF-style: chr15-89777022-C-G. GRCh37 (hg19) VCF-style: chr15-90320253-C-G.
Other names: short protein forms S222C.
Identifiers: ClinVar variation 2150981 (VCV002150981.1), dbSNP rs771944393, ClinGen allele CA7730477.
Genomic context (GRCh38, chr15:89,777,022, plus strand): 5'-AAGGGCAGGGGCGCAGGCCGGGCCTGGTCTCCGCCGTCCTCGCCGAGGCGTCCTGGGGAT[C>G]CCCGTCCGCCTGCCCCGGAGCCCAAGCCGCACCCGAGCGCCTGGGGAGGGGGGTCCACGA-3'
Protein context (NP_001035047.1, residues 212-232): SAVLAEASWG[Ser222Cys]PSACPGAQAA

ClinVar aggregate classification (germline): Uncertain significance (1 of 4 stars; one submission).

Allele frequency attached by ClinVar (database versions not stated): gnomAD 0.00001; ExAC 0.00003; TOPMed 0.00003.
gnomAD v4.1: 16 of 1,588,496 alleles (0.001%); highest among the groups gnomAD compares: Admixed American, 0.0035%; no homozygotes.

Submission:

Labcorp Genetics (formerly Invitae), Labcorp
Classification: Uncertain significance. Last evaluated: 2022-03-16. Review status: criteria provided, single submitter. Criteria: Invitae Variant Classification Sherloc (09022015). Collection method: clinical testing. Allele origin: germline.
Comment: This sequence change replaces serine, which is neutral and polar, with cysteine, which is neutral and slightly polar, at codon 222 of the MESP2 protein (p.Ser222Cys). This variant is present in population databases (rs771944393, gnomAD 0.007%). This variant has not been reported in the literature in individuals affected with MESP2-related conditions. Algorithms developed to predict the effect of missense changes on protein structure and function output the following: SIFT: "Tolerated"; PolyPhen-2: "Benign"; Align-GVGD: "Class C0". The cysteine amino acid residue is found in multiple mammalian species, which suggests that this missense change does not adversely affect protein function. In summary, the available evidence is currently insufficient to determine the role of this variant in disease. Therefore, it has been classified as a Variant of Uncertain Significance.